The following is an entry in ClinVar:

NM_004329.3(BMPR1A):c.242A>T (p.His81Leu)

Gene: BMPR1A (bone morphogenetic protein receptor type 1A; plus strand). Cytogenetic location: 10q23.2.
Variant type: single nucleotide variant.
Coding change: c.242A>T on transcript NM_004329.3 (MANE Select); coding-DNA position 242, A replaced by T.
Protein change: p.His81Leu; replaces histidine 81 with leucine.
Molecular consequence: missense variant.
Genome position (GRCh38, 1-based): chr10:86,892,138, A>T. VCF-style: chr10-86892138-A-T. GRCh37 (hg19) VCF-style: chr10-88651895-A-T.
Other names: short protein forms H81L.
Identifiers: ClinVar variation 482842 (VCV000482842.16), dbSNP rs1064793333, ClinGen allele CA377447933.

ClinVar aggregate classification (germline): Uncertain significance. Review status: criteria provided, multiple submitters, no conflicts (2 of 4 stars). 4 submissions from 4 submitters: Uncertain significance (4). Last evaluated 2024-11-03.

Conditions:
Juvenile polyposis syndrome (JPS). Identifiers: Orphanet 2929, MedGen C0345893, MONDO:0017380, OMIM 174900.
Hereditary cancer-predisposing syndrome. Also called: Hereditary neoplastic syndrome; Neoplastic Syndromes, Hereditary; Tumor predisposition; Hereditary Cancer Syndrome. Identifiers: Orphanet 140162, MedGen C0027672, MeSH D009386, MONDO:0015356.
Polyposis syndrome, hereditary mixed, 2. Identifiers: Orphanet 157794, MedGen C1864730, MONDO:0012405, OMIM 610069.

Allele frequency attached by ClinVar (database versions not stated): TOPMed 0.00001.

Submissions (4):

Ambry Genetics
Classification: Uncertain significance for Hereditary cancer-predisposing syndrome. Last evaluated: 2024-11-03. Review status: criteria provided, single submitter. Criteria: Ambry Variant Classification Scheme 2023. Collection method: clinical testing. Allele origin: germline.
Comment: The p.H81L variant (also known as c.242A>T), located in coding exon 3 of the BMPR1A gene, results from an A to T substitution at nucleotide position 242. The histidine at codon 81 is replaced by leucine, an amino acid with similar properties. This amino acid position is well conserved in available vertebrate species. In addition, this alteration is predicted to be deleterious by in silico analysis. Since supporting evidence is limited at this time, the clinical significance of this alteration remains unclear.

Labcorp Genetics (formerly Invitae), Labcorp
Classification: Uncertain significance for Juvenile polyposis syndrome. Last evaluated: 2024-07-16. Review status: criteria provided, single submitter. Criteria: Invitae Variant Classification Sherloc (09022015). Collection method: clinical testing. Allele origin: germline.
Comment: This sequence change replaces histidine, which is basic and polar, with leucine, which is neutral and non-polar, at codon 81 of the BMPR1A protein (p.His81Leu). This variant is not present in population databases (gnomAD no frequency). This variant has not been reported in the literature in individuals affected with BMPR1A-related conditions. ClinVar contains an entry for this variant (Variation ID: 482842). Advanced modeling of protein sequence and biophysical properties (such as structural, functional, and spatial information, amino acid conservation, physicochemical variation, residue mobility, and thermodynamic stability) performed at Invitae indicates that this missense variant is not expected to disrupt BMPR1A protein function with a negative predictive value of 95%. In summary, the available evidence is currently insufficient to determine the role of this variant in disease. Therefore, it has been classified as a Variant of Uncertain Significance.

Baylor Genetics
Classification: Uncertain significance for Polyposis syndrome, hereditary mixed, 2. Last evaluated: 2023-05-12. Review status: criteria provided, single submitter. Criteria: ACMG Guidelines, 2015. Collection method: clinical testing. Allele origin: unknown.

Sema4
Classification: Uncertain significance for Hereditary cancer-predisposing syndrome. Last evaluated: 2021-05-29. Review status: criteria provided, single submitter. Criteria: Sema4 Curation Guidelines. Collection method: curation. Allele origin: germline.
Comment: The BMPR1A c.242A>T (p.H81L) variant has not been reported in the literature to our knowledge. This variant has not been observed in the large and broad cohorts of the Genome Aggregation Database (PMID: 32461654). This variant has been reported in ClinVar (Variation ID 482842). In silico tools suggest the impact of the variant on protein function is inconclusive, though these predictions have not been confirmed by functional studies. The overall evidence is insufficient to meet ACMG/AMP criteria for classifying it as benign or pathogenic. In summary, the clinical significance of this variant is currently uncertain.